The following is an entry in ClinVar:

NM_000222.3(KIT):c.2485-3C>T

Gene: KIT (KIT proto-oncogene, receptor tyrosine kinase; plus strand). Cytogenetic location: 4q12.
Variant type: single nucleotide variant.
Coding change: c.2485-3C>T on transcript NM_000222.3 (MANE Select); 3 bases into the intron before coding-DNA position 2485, C replaced by T.
Molecular consequence: intron variant.
Genome position (GRCh38, 1-based): chr4:54,736,495, C>T. VCF-style: chr4-54736495-C-T. GRCh37 (hg19) VCF-style: chr4-55602661-C-T.
Other names: c.2488-3C>T (NM_001385284.1); c.2485-3C>T (NM_001385290.1); c.2476-3C>T (NM_001385288.1); c.2473-3C>T (NM_001385292.1, NM_001093772.2); c.2482-3C>T (NM_001385285.1); c.2470-3C>T (NM_001385286.1).
Identifiers: ClinVar variation 2721934 (VCV002721934.3), dbSNP rs2109810798, ClinGen allele CA2697546732.
Genomic context (GRCh38, chr4:54,736,495, plus strand): 5'-TTCTGTTCAATTTTGTTGAGCTTCTGAATTAACATTATTGACTCTGTTGTGCTTCTATTA[C>T]AGGCTCGACTACCTGTGAAGTGGATGGCACCTGAAAGCATTTTCAACTGTGTATACACGT-3'

ClinVar aggregate classification (germline): Uncertain significance (1 of 4 stars; one submission).

Conditions:
Gastrointestinal stromal tumor. Also called: Gastrointestinal stromal tumor, somatic; Gastrointestinal stroma tumor. Identifiers: Orphanet 44890, MedGen C0238198, MeSH D046152, MONDO:0011719, OMIM 606764, HP:0100723.

Submission:

Labcorp Genetics (formerly Invitae), Labcorp
Classification: Uncertain significance for Gastrointestinal stromal tumor. Last evaluated: 2023-06-21. Review status: criteria provided, single submitter. Criteria: Invitae Variant Classification Sherloc (09022015). Collection method: clinical testing. Allele origin: germline.
Comment: In summary, the available evidence is currently insufficient to determine the role of this variant in disease. Therefore, it has been classified as a Variant of Uncertain Significance. Variants that disrupt the consensus splice site are a relatively common cause of aberrant splicing (PMID: 17576681, 9536098). Algorithms developed to predict the effect of sequence changes on RNA splicing suggest that this variant is not likely to affect RNA splicing. This variant has not been reported in the literature in individuals affected with KIT-related conditions. This variant is not present in population databases (gnomAD no frequency). This sequence change falls in intron 17 of the KIT gene. It does not directly change the encoded amino acid sequence of the KIT protein. It affects a nucleotide within the consensus splice site.

Literature cited by the submitters: PubMed 17576681; PubMed 9536098.